The following is an entry in ClinVar:

ClinVar aggregate classification (germline): Benign/Likely benign. Review status: criteria provided, multiple submitters, no conflicts (2 of 4 stars). 7 submissions from 7 submitters: Benign (6); Likely benign (1). Last evaluated 2026-01-31.

Conditions:
Bernard Soulier syndrome (BSS). Also called: Platelet Glycoprotein 1b, Deficiency of; PLATELET GLYCOPROTEIN Ib DEFICIENCY; BLEEDING DISORDER, PLATELET-TYPE, 1; GLYCOPROTEIN Ib, PLATELET, DEFICIENCY OF; VON WILLEBRAND FACTOR RECEPTOR DEFICIENCY; Giant platelet syndrome. Identifiers: Orphanet 274, MedGen C0005129, MeSH D001606, MONDO:0009276, OMIM 231200.

Allele frequency attached by ClinVar (database versions not stated): gnomAD exomes 0.02379; ExAC 0.02795; ESP Exome Variant Server 0.03501; gnomAD 0.03533 and 0.03624; TOPMed 0.03804; 1000 Genomes Project 0.05831; 1000 Genomes Project 30x 0.05871.
gnomAD v4.1: 20,147 of 1,612,758 alleles (1.2%); highest among the groups gnomAD compares: African/African-American, 10%; 761 homozygotes.

Submissions (7):

Labcorp Genetics (formerly Invitae), Labcorp
Classification: Benign. Last evaluated: 2026-01-31. Review status: criteria provided, single submitter. Criteria: Invitae Variant Classification Sherloc (09022015). Collection method: clinical testing. Allele origin: germline.

Blueprint Genetics
Classification: Likely benign. Last evaluated: 2024-11-26. Review status: criteria provided, single submitter. Criteria: ACMG Guidelines, 2015. Collection method: clinical testing. Allele origin: germline.

Mayo Clinic Laboratories, Mayo Clinic
Classification: Benign. Last evaluated: 2023-11-02. Review status: criteria provided, single submitter. Criteria: ACMG Guidelines, 2015. Collection method: clinical testing. Allele origin: germline. Observed: 17 variant alleles.

GeneDx
Classification: Benign. Last evaluated: 2021-05-04. Review status: criteria provided, single submitter. Criteria: GeneDx Variant Classification Process June 2021. Collection method: clinical testing. Allele origin: germline. Affected: yes.

Illumina Laboratory Services, Illumina
Classification: Benign for Bernard Soulier syndrome. Last evaluated: 2018-01-13. Review status: criteria provided, single submitter. Criteria: ICSL Variant Classification Criteria 13 December 2019. Collection method: clinical testing. Allele origin: germline.
Comment: This variant was observed in the ICSL laboratory as part of a predisposition screen in an ostensibly healthy population. It had not been previously curated by ICSL or reported in the Human Gene Mutation Database (HGMD: prior to June 1st, 2018), and was therefore a candidate for classification through an automated scoring system. Utilizing variant allele frequency, disease prevalence and penetrance estimates, and inheritance mode, an automated score was calculated to assess if this variant is too frequent to cause the disease. Based on the score and internal cut-off values, a variant classified as benign is not then subjected to further curation. The score for this variant resulted in a classification of benign for this disease.

Breakthrough Genomics
Classification: Benign. Review status: criteria provided, single submitter. Criteria: ACMG Guidelines, 2015. Collection method: not provided. Allele origin: germline. Inheritance: Autosomal recessive inheritance. Affected: yes.

PreventionGenetics, part of Exact Sciences
Classification: Benign. Review status: criteria provided, single submitter. Criteria: ACMG Guidelines, 2015. Collection method: clinical testing. Allele origin: germline.

NM_000174.5(GP9):c.132G>A (p.Thr44=)

Gene: GP9 (glycoprotein IX platelet; plus strand). Cytogenetic location: 3q21.3.
Variant type: single nucleotide variant.
Coding change: c.132G>A on transcript NM_000174.5 (MANE Select); coding-DNA position 132, G replaced by A.
Protein change: p.Thr44=; no amino-acid change (threonine 44 retained).
Molecular consequence: synonymous variant.
Genome position (GRCh38, 1-based): chr3:129,061,871, G>A. VCF-style: chr3-129061871-G-A. GRCh37 (hg19) VCF-style: chr3-128780714-G-A.
Other names: p.Thr44=.
Identifiers: ClinVar variation 255471 (VCV000255471.19), dbSNP rs6069, ClinGen allele CA2602639.